The following is an entry in ClinVar:

NM_024675.4(PALB2):c.1018A>T (p.Asn340Tyr)

Gene: PALB2 (partner and localizer of BRCA2; minus strand). Cytogenetic location: 16p12.2.
Variant type: single nucleotide variant.
Coding change: c.1018A>T on transcript NM_024675.4 (MANE Select); coding-DNA position 1018, A replaced by T.
Protein change: p.Asn340Tyr; replaces asparagine 340 with tyrosine.
Molecular consequence: missense variant. On other transcripts: intron variant (3).
Genome position (GRCh38, 1-based): chr16:23,635,528, T>A on the plus strand (A>T on the coding strand, the complement: PALB2 is on the minus strand). VCF-style: chr16-23635528-T-A. GRCh37 (hg19) VCF-style: chr16-23646849-T-A.
Other names: c.958A>T, p.Asn320Tyr (NM_001407296.1); c.1018A>T, p.Asn340Tyr (NM_001407297.1, NM_001407298.1, NM_001407299.1 and 3 more transcripts); c.133A>T, p.Asn45Tyr (NM_001407304.1, NM_001407305.1, NM_001407306.1 and 5 more transcripts); c.48+5582A>T (NM_001407314.1); c.-104-5059A>T (NM_001407313.1, NM_001407312.1); short protein forms N45Y, N320Y, N340Y.
Identifiers: ClinVar variation 3646698 (VCV003646698.2).

ClinVar aggregate classification (germline): Uncertain significance (1 of 4 stars; one submission).

Conditions:
Familial cancer of breast. Also called: hereditary breast carcinoma; BREAST CANCER, FAMILIAL; Hereditary breast cancer. Identifiers: Orphanet 227535, MedGen C0346153, MONDO:0016419, OMIM 114480. Disease mechanism: loss of function.

Submission:

Labcorp Genetics (formerly Invitae), Labcorp
Classification: Uncertain significance for Familial cancer of breast. Last evaluated: 2024-03-19. Review status: criteria provided, single submitter. Criteria: Invitae Variant Classification Sherloc (09022015). Collection method: clinical testing. Allele origin: germline.
Comment: This sequence change replaces asparagine, which is neutral and polar, with tyrosine, which is neutral and polar, at codon 340 of the PALB2 protein (p.Asn340Tyr). This variant is not present in population databases (gnomAD no frequency). This variant has not been reported in the literature in individuals affected with PALB2-related conditions. Advanced modeling of protein sequence and biophysical properties (such as structural, functional, and spatial information, amino acid conservation, physicochemical variation, residue mobility, and thermodynamic stability) has been performed at Invitae for this missense variant, however the output from this modeling did not meet the statistical confidence thresholds required to predict the impact of this variant on PALB2 protein function. In summary, the available evidence is currently insufficient to determine the role of this variant in disease. Therefore, it has been classified as a Variant of Uncertain Significance.